The following is an entry in ClinVar:

NM_000291.4(PGK1):c.375T>A (p.His125Gln)

Gene: PGK1 (phosphoglycerate kinase 1; plus strand). Cytogenetic location: Xq21.1.
Variant type: single nucleotide variant.
Coding change: c.375T>A on transcript NM_000291.4 (MANE Select); coding-DNA position 375, T replaced by A.
Protein change: p.His125Gln; replaces histidine 125 with glutamine.
Molecular consequence: missense variant.
Genome position (GRCh38, 1-based): chrX:78,114,118, T>A. VCF-style: chrX-78114118-T-A. GRCh37 (hg19) VCF-style: chrX-77369615-T-A.
Other names: p.His125Gln; c.375T>A (NM_000291.3); short protein forms H125Q.
Identifiers: ClinVar variation 1580054 (VCV001580054.11), dbSNP rs142134146, ClinGen allele CA10459675.
Genomic context (GRCh38, chrX:78,114,118, plus strand): 5'-GAAAGCCTGTGCCAACCCAGCTGCTGGGTCTGTCATCCTGCTGGAGAACCTCCGCTTTCA[T>A]GTGGAGGAAGAAGGGAAGGGAAAAGATGCTTCTGGGAACAAGGTAGGACCTGTGATTTTG-3'
Protein context (NP_000282.1, residues 115-135): SVILLENLRF[His125Gln]VEEEGKGKDA

ClinVar aggregate classification (germline): Conflicting classifications of pathogenicity. Review status: criteria provided, conflicting classifications (1 of 4 stars). 4 submissions from 4 submitters: Uncertain significance (3); Likely benign (1). Last evaluated 2026-05-05.

Conditions:
PGK1-related disorder. Also called: PGK1-related condition.

Allele frequency attached by ClinVar (database versions not stated): TOPMed 0.00003; gnomAD 0.00006 and 0.00007; ESP Exome Variant Server 0.00009.
gnomAD v4.1: 46 of 1,207,912 alleles (0.0038%); highest among the groups gnomAD compares: Non-Finnish European, 0.005%; no homozygotes.

Submissions (4):

PreventionGenetics, part of Exact Sciences
Classification: Uncertain significance for PGK1-related condition. Last evaluated: 2026-05-05. Review status: criteria provided, single submitter. Criteria: ACMG Guidelines, 2015. Collection method: clinical testing. Allele origin: germline.
Comment: The PGK1 c.375T>A variant is predicted to result in the amino acid substitution p.His125Gln. To our knowledge, this variant has not been reported in the literature. This variant is documented in 0.014% of alleles in individuals of European (Non-Finnish) descent in gnomAD, including 3 hemizygous individuals. Although we suspect that this variant may be benign, at this time, the clinical significance of this variant is uncertain due to the absence of conclusive functional and genetic evidence.

Labcorp Genetics (formerly Invitae), Labcorp
Classification: Likely benign. Last evaluated: 2025-12-11. Review status: criteria provided, single submitter. Criteria: Invitae Variant Classification Sherloc (09022015). Collection method: clinical testing. Allele origin: germline.

Mayo Clinic Laboratories, Mayo Clinic
Classification: Uncertain significance. Last evaluated: 2024-06-17. Review status: criteria provided, single submitter. Criteria: ACMG Guidelines, 2015. Collection method: clinical testing. Allele origin: germline. Observed: 1 variant allele.
Comment: BS2, PP3

Women's Health and Genetics/Laboratory Corporation of America, LabCorp
Classification: Uncertain significance. Last evaluated: 2024-01-15. Review status: criteria provided, single submitter. Criteria: LabCorp Variant Classification Summary - May 2015. Collection method: clinical testing. Allele origin: germline.
Comment: Variant summary: PGK1 c.375T>A (p.His125Gln) results in a non-conservative amino acid change in the encoded protein sequence. Five of five in-silico tools predict a damaging effect of the variant on protein function. The variant allele was found at a frequency of 3.8e-05 in 1207912 control chromosomes, including 13 hemizygotes. To our knowledge, no occurrence of c.375T>A in individuals affected with Glycogen Storage Disease Due To Phosphoglycerate Kinase 1 Deficiency and no experimental evidence demonstrating its impact on protein function have been reported. ClinVar contains an entry for this variant (Variation ID: 1580054). Based on the evidence outlined above, the variant was classified as VUS-possibly benign.